The following is an entry in ClinVar:

ClinVar aggregate classification (germline): Uncertain significance. Review status: criteria provided, multiple submitters, no conflicts (2 of 4 stars). 2 submissions from 2 submitters: Uncertain significance (2). Last evaluated 2026-05-29.

Conditions:
NR2E3-related disorder. Also called: NR2E3-related disorders; NR2E3-related condition. Identifiers: MedGen CN239387.

Submissions (2):

PreventionGenetics, part of Exact Sciences
Classification: Uncertain significance for NR2E3-related condition. Last evaluated: 2026-05-29. Review status: criteria provided, single submitter. Criteria: ACMG Guidelines, 2015. Collection method: clinical testing. Allele origin: germline.
Comment: The NR2E3 c.790G>A variant is predicted to result in the amino acid substitution p.Gly264Arg. This variant has been reported in the compound heterozygous state in an individual with enhanced S-cone syndrome (Termühlen et al. 2016. PubMed ID: 27573156). This variant is present in 0.0028% of alleles in individuals of European (Non-Finnish) descent in gnomAD. Although we suspect that this variant may be pathogenic for autosomal recessive disease, at this time, the clinical significance of this variant is uncertain due to the absence of conclusive functional and genetic evidence.

Blueprint Genetics
Classification: Uncertain significance. Last evaluated: 2024-10-01. Review status: criteria provided, single submitter. Criteria: ACMG Guidelines, 2015. Collection method: clinical testing. Allele origin: germline.

NM_014249.4(NR2E3):c.790G>A (p.Gly264Arg)

Gene: NR2E3 (nuclear receptor subfamily 2 group E member 3; plus strand). Cytogenetic location: 15q23.
Variant type: single nucleotide variant.
Coding change: c.790G>A on transcript NM_014249.4 (MANE Select); coding-DNA position 790, G replaced by A.
Protein change: p.Gly264Arg; replaces glycine 264 with arginine.
Molecular consequence: missense variant.
Genome position (GRCh38, 1-based): chr15:71,813,431, G>A. VCF-style: chr15-71813431-G-A. GRCh37 (hg19) VCF-style: chr15-72105771-G-A.
Other names: c.790G>A, p.Gly264Arg (NM_016346.4); c.790G>A (NM_014249.3); short protein forms G264R.
Identifiers: ClinVar variation 4925710 (VCV004925710.2).